The following is an entry in ClinVar:

ClinVar aggregate classification (germline): Uncertain significance (1 of 4 stars; one submission).

Conditions:
Chédiak-Higashi syndrome (CHS). Also called: Chediak-Higashi Syndrome. Identifiers: Orphanet 167, MedGen C0007965, MONDO:0008963, OMIM 214500.

Allele frequency attached by ClinVar (database versions not stated): gnomAD exomes below 0.00001.
gnomAD v4.1: 2 of 1,612,182 alleles (0.00012%); highest among the groups gnomAD compares: Non-Finnish European, 0.00017%; no homozygotes.

Submission:

Labcorp Genetics (formerly Invitae), Labcorp
Classification: Uncertain significance for Chédiak-Higashi syndrome. Last evaluated: 2022-08-20. Review status: criteria provided, single submitter. Criteria: Invitae Variant Classification Sherloc (09022015). Collection method: clinical testing. Allele origin: germline.
Comment: This sequence change replaces valine, which is neutral and non-polar, with isoleucine, which is neutral and non-polar, at codon 1625 of the LYST protein (p.Val1625Ile). This variant is not present in population databases (gnomAD no frequency). This variant has not been reported in the literature in individuals affected with LYST-related conditions. Algorithms developed to predict the effect of missense changes on protein structure and function (SIFT, PolyPhen-2, Align-GVGD) all suggest that this variant is likely to be tolerated. In summary, the available evidence is currently insufficient to determine the role of this variant in disease. Therefore, it has been classified as a Variant of Uncertain Significance.

NM_000081.4(LYST):c.4873G>A (p.Val1625Ile)

Gene: LYST (lysosomal trafficking regulator; minus strand). Cytogenetic location: 1q42.3.
Variant type: single nucleotide variant.
Coding change: c.4873G>A on transcript NM_000081.4 (MANE Select); coding-DNA position 4873, G replaced by A.
Protein change: p.Val1625Ile; replaces valine 1625 with isoleucine.
Molecular consequence: missense variant.
Genome position (GRCh38, 1-based): chr1:235,782,077, C>T on the plus strand (G>A on the coding strand, the complement: LYST is on the minus strand). VCF-style: chr1-235782077-C-T. GRCh37 (hg19) VCF-style: chr1-235945377-C-T.
Other names: c.4873G>A, p.Val1625Ile (NM_001301365.1); short protein forms V1625I.
Identifiers: ClinVar variation 2199526 (VCV002199526.1), dbSNP rs2528043830, ClinGen allele CA344956516.